The following is an entry in ClinVar:

ClinVar aggregate classification (germline): Uncertain significance (1 of 4 stars; one submission).

Submission:

CeGaT Center for Human Genetics Tuebingen
Classification: Uncertain significance. Last evaluated: 2025-03-01. Review status: criteria provided, single submitter. Criteria: CeGaT Center For Human Genetics Tuebingen Variant Classification Criteria Version 2. Collection method: clinical testing. Allele origin: germline. Affected: yes. Observed: 1 variant allele.
Comment: MN1: PM2, PP2

NM_002430.3(MN1):c.2584C>G (p.Gln862Glu)

Gene: MN1 (MN1 proto-oncogene, transcriptional regulator; minus strand). Cytogenetic location: 22q12.1.
Variant type: single nucleotide variant.
Coding change: c.2584C>G on transcript NM_002430.3 (MANE Select); coding-DNA position 2584, C replaced by G.
Protein change: p.Gln862Glu; replaces glutamine 862 with glutamic acid.
Molecular consequence: missense variant.
Genome position (GRCh38, 1-based): chr22:27,797,960, G>C on the plus strand (C>G on the coding strand, the complement: MN1 is on the minus strand). VCF-style: chr22-27797960-G-C. GRCh37 (hg19) VCF-style: chr22-28193948-G-C.
Other names: short protein forms Q862E.
Identifiers: ClinVar variation 3778446 (VCV003778446.7).